The following is an entry in ClinVar:

NM_000051.4(ATM):c.2610C>T (p.Asn870=)

Gene: ATM (ATM serine/threonine kinase; plus strand). Cytogenetic location: 11q22.3.
Variant type: single nucleotide variant.
Coding change: c.2610C>T on transcript NM_000051.4 (MANE Select); coding-DNA position 2610, C replaced by T.
Protein change: p.Asn870=; no amino-acid change (asparagine 870 retained).
Molecular consequence: synonymous variant.
Genome position (GRCh38, 1-based): chr11:108,267,314, C>T. VCF-style: chr11-108267314-C-T. GRCh37 (hg19) VCF-style: chr11-108138041-C-T.
Other names: c.2610C>T, p.Asn870= (NM_001351834.2).
Identifiers: ClinVar variation 135745 (VCV000135745.52), dbSNP rs587780618, ClinGen allele CA195584.
Genomic context (GRCh38, chr11:108,267,314, plus strand): 5'-GGATCAGTCATCCATGAATCTATTTAACGATTACCCTGATAGTAGTGTTAGTGATGCAAA[C>T]GAACCTGGAGAGAGCCAAAGTACCATAGGTAAATACATATTTACTACTTGGGATTTCTTT-3'
Protein context (NP_000042.3, residues 860-880): DYPDSSVSDA[Asn870=]EPGESQSTIG

ClinVar aggregate classification (germline): Benign/Likely benign. Review status: criteria provided, multiple submitters, no conflicts (2 of 4 stars). 19 submissions from 19 submitters: Benign (3); Likely benign (9). 7 of the submissions do not count toward it. Last evaluated 2026-02-03.

Conditions:
ATM-related disorder. Also called: ATM-related disorders; ATM-related condition.
Hereditary cancer-predisposing syndrome. Also called: Tumor predisposition; Hereditary neoplastic syndrome; Hereditary Cancer Syndrome; Neoplastic Syndromes, Hereditary. Identifiers: Orphanet 140162, MedGen C0027672, MeSH D009386, MONDO:0015356.
Familial cancer of breast. Also called: Hereditary breast cancer; hereditary breast carcinoma; BREAST CANCER, FAMILIAL. Identifiers: Orphanet 227535, MedGen C0346153, MONDO:0016419, OMIM 114480. Disease mechanism: loss of function.
Ataxia-telangiectasia syndrome (AT). Also called: ATAXIA-TELANGIECTASIA, COMPLEMENTATION GROUP A; ATAXIA-TELANGIECTASIA, FRESNO VARIANT; Ataxia-telangiectasia; Ataxia-telangiectasia, complementation group D; AT, COMPLEMENTATION GROUP C; Ataxia-telangiectasia, complementation group E. Identifiers: Orphanet 100, MedGen C0004135, MONDO:0008840, OMIM 208900.

Allele frequency attached by ClinVar (database versions not stated): ExAC 0.00002; TOPMed 0.00002; gnomAD 0.00003 and 0.00004; gnomAD exomes 0.00003.
gnomAD v4.1: 89 of 1,613,842 alleles (0.0055%); highest among the groups gnomAD compares: Non-Finnish European, 0.0066%; no homozygotes.

Submissions (19):

Labcorp Genetics (formerly Invitae), Labcorp
Classification: Benign for Ataxia-telangiectasia syndrome. Last evaluated: 2026-02-03. Review status: criteria provided, single submitter. Criteria: Invitae Variant Classification Sherloc (09022015). Collection method: clinical testing. Allele origin: germline.

Quest Diagnostics Nichols Institute San Juan Capistrano
Classification: Likely benign. Last evaluated: 2025-08-26. Review status: criteria provided, single submitter. Criteria: Quest Diagnostics criteria. Collection method: clinical testing. Allele origin: unknown.

Molecular Diagnostics Laboratory, Catalan Institute of Oncology
Classification: Likely benign for Hereditary cancer-predisposing syndrome. Last evaluated: 2025-04-29. Review status: criteria provided, single submitter. Criteria: ClinGen ACMG Specifications ATM V1.1.0. Collection method: clinical testing. Allele origin: germline.
Comment: BP4, BP7 c.2610C>T, located in exon 17 of the ATM gene, is predicted to result in no amino acid change, p.(Asn870=) (BP7). This variant is found in 9/268254 alleles at a frequency of 0.0034% in the gnomAD v2.1.1 database, non-cancer dataset. The SpliceAI algorithm predicts no significant impact on splicing (BP4). To our knowledge, neither relevant clinical data nor functional studies have been reported for this variant. This variant has been reported in ClinVar (3x benign, 12x likely benign) and LOVD (1x benign, 5x likely benign) databases. Based on currently available information, the variant c.2610C>T should be considered a likely benign variant.

CeGaT Center for Human Genetics Tuebingen
Classification: Likely benign. Last evaluated: 2024-08-01. Review status: criteria provided, single submitter. Criteria: CeGaT Center For Human Genetics Tuebingen Variant Classification Criteria Version 2. Collection method: clinical testing. Allele origin: germline. Affected: yes. Observed: 1 variant allele.
Comment: ATM: BP4, BP7

Myriad Genetics, Inc.
Classification: Benign for Familial cancer of breast. Last evaluated: 2024-05-09. Review status: criteria provided, single submitter. Criteria: Myriad Autosomal Dominant, Autosomal Recessive and X-Linked Classification Criteria (2023). Collection method: clinical testing. Allele origin: unknown.
Comment: This variant is considered benign. This variant is a silent/synonymous amino acid change and it is not expected to impact splicing.

Ambry Genetics
Classification: Likely benign for Hereditary cancer-predisposing syndrome. Last evaluated: 2024-02-02. Review status: criteria provided, single submitter. Criteria: Ambry Variant Classification Scheme 2023. Collection method: clinical testing. Allele origin: germline.

Blueprint Genetics
Classification: Likely benign. Last evaluated: 2023-10-25. Review status: criteria provided, single submitter. Criteria: ACMG Guidelines, 2015. Collection method: clinical testing. Allele origin: germline.

Sema4
Classification: Likely benign for Hereditary cancer-predisposing syndrome. Last evaluated: 2021-04-22. Review status: criteria provided, single submitter. Criteria: Sema4 Curation Guidelines. Collection method: curation. Allele origin: germline.

Department of Pathology and Laboratory Medicine, Sinai Health System
Classification: Likely benign for Familial cancer of breast. Last evaluated: 2019-11-04. Review status: criteria provided, single submitter. Criteria: ACMG Guidelines, 2015. Collection method: clinical testing. Allele origin: germline. Affected: yes.

Women's Health and Genetics/Laboratory Corporation of America, LabCorp
Classification: Likely benign. Last evaluated: 2019-08-20. Review status: criteria provided, single submitter. Criteria: LabCorp Variant Classification Summary - May 2015. Collection method: clinical testing. Allele origin: germline.

Color Diagnostics, LLC DBA Color Health
Classification: Likely benign for Hereditary cancer-predisposing syndrome. Last evaluated: 2015-10-27. Review status: criteria provided, single submitter. Criteria: ACMG Guidelines, 2015. Collection method: clinical testing. Allele origin: germline.

GeneDx
Classification: Benign. Last evaluated: 2015-06-18. Review status: criteria provided, single submitter. Criteria: GeneDx Variant Classification Process June 2021. Collection method: clinical testing. Allele origin: germline. Affected: yes.
Comment: This variant is associated with the following publications: (PMID: 12810666, 17333338)

Genetic Services Laboratory, University of Chicago
Classification: Likely benign. Last evaluated: 2022-06-06. Review status: no assertion criteria provided. Collection method: clinical testing. Allele origin: germline. Affected: no. Not counted in ClinVar's aggregate classification.

Natera, Inc.
Classification: Likely benign for Ataxia-telangiectasia. Last evaluated: 2020-05-26. Review status: no assertion criteria provided. Collection method: clinical testing. Allele origin: germline. Not counted in ClinVar's aggregate classification.

PreventionGenetics, part of Exact Sciences
Classification: Likely benign for ATM-related condition. Last evaluated: 2019-05-08. Review status: no assertion criteria provided. Collection method: clinical testing. Allele origin: germline. Not counted in ClinVar's aggregate classification.
Comment: This variant is classified as likely benign based on ACMG/AMP sequence variant interpretation guidelines (Richards et al. 2015 PMID: 25741868, with internal and published modifications).

True Health Diagnostics
Classification: Likely benign for Hereditary cancer-predisposing syndrome. Last evaluated: 2017-09-12. Review status: no assertion criteria provided. Collection method: clinical testing. Allele origin: germline. Not counted in ClinVar's aggregate classification.

Clinical Genetics DNA and cytogenetics Diagnostics Lab, Erasmus MC, Erasmus Medical Center
Classification: Likely benign. Review status: no assertion criteria provided. Collection method: clinical testing. Allele origin: germline. Affected: yes. Study: VKGL Data-share Consensus. Not counted in ClinVar's aggregate classification.

Genome Diagnostics Laboratory, University Medical Center Utrecht
Classification: Likely benign. Review status: no assertion criteria provided. Collection method: clinical testing. Allele origin: germline. Affected: yes. Study: VKGL Data-share Consensus. Not counted in ClinVar's aggregate classification.

Joint Genome Diagnostic Labs from Nijmegen and Maastricht, Radboudumc and MUMC+
Classification: Likely benign. Review status: no assertion criteria provided. Collection method: clinical testing. Allele origin: germline. Affected: yes. Study: VKGL Data-share Consensus. Not counted in ClinVar's aggregate classification.

Literature cited by the submitters: PubMed 30287823 (cited by Sema4 and Department of Pathology and Laboratory Medicine, Sinai Health System); PubMed 12810666 (cited by Sema4); PubMed 12610666 (cited by Department of Pathology and Laboratory Medicine, Sinai Health System); PubMed 17333338 (cited by Department of Pathology and Laboratory Medicine, Sinai Health System).